The following is an entry in ClinVar:

NM_152713.5(STT3A):c.323T>A (p.Ile108Asn)

Gene: STT3A (STT3 oligosaccharyltransferase complex catalytic subunit A; plus strand). Cytogenetic location: 11q24.2.
Variant type: single nucleotide variant.
Coding change: c.323T>A on transcript NM_152713.5 (MANE Select); coding-DNA position 323, T replaced by A.
Protein change: p.Ile108Asn; replaces isoleucine 108 with asparagine.
Molecular consequence: missense variant.
Genome position (GRCh38, 1-based): chr11:125,602,854, T>A. VCF-style: chr11-125602854-T-A. GRCh37 (hg19) VCF-style: chr11-125472749-T-A.
Other names: c.323T>A, p.Ile108Asn (NM_001278503.2); c.47T>A, p.Ile16Asn (NM_001278504.2); short protein forms I108N, I16N.
Identifiers: ClinVar variation 3602992 (VCV003602992.3).

ClinVar aggregate classification (germline): Uncertain significance (1 of 4 stars; one submission).

Submission:

GeneDx
Classification: Uncertain significance. Last evaluated: 2026-06-28. Review status: criteria provided, single submitter. Criteria: GeneDx Variant Classification Process June 2021. Collection method: clinical testing. Allele origin: germline.
Comment: Identified in a patient with STT3A-related features in published literature (PMID: 41897354); Not observed at significant frequency in large population cohorts (gnomAD); In silico analysis supports that this missense variant has a deleterious effect on protein structure/function; This variant is associated with the following publications: (PMID: 41897354)